The following is an entry in ClinVar:

ClinVar aggregate classification (germline): Benign/Likely benign. Review status: criteria provided, multiple submitters, no conflicts (2 of 4 stars). 4 submissions from 4 submitters: Benign (1); Likely benign (2). 1 of the submissions does not count toward it. Last evaluated 2025-11-17.

Conditions:
Hereditary cancer-predisposing syndrome. Also called: Neoplastic Syndromes, Hereditary; Hereditary neoplastic syndrome; Tumor predisposition; Hereditary Cancer Syndrome. Identifiers: Orphanet 140162, MedGen C0027672, MeSH D009386, MONDO:0015356.
Familial adenomatous polyposis 1 (FAP1). Also called: FAMILIAL ADENOMATOUS POLYPOSIS 1, ATTENUATED; POLYPOSIS, ADENOMATOUS INTESTINAL. Identifiers: MedGen C2713442, MONDO:0021056, OMIM 175100. Disease mechanism: loss of function.

Allele frequency attached by ClinVar (database versions not stated): gnomAD exomes 0.00034; TOPMed 0.00541; gnomAD 0.00548 and 0.00512; 1000 Genomes Project 0.00319; 1000 Genomes Project 30x 0.00328.
gnomAD v4.1: 1,055 of 937,092 alleles (0.11%); highest among the groups gnomAD compares: African/African-American, 1.8%; 15 homozygotes.

Submissions (4):

Labcorp Genetics (formerly Invitae), Labcorp
Classification: Benign for Familial adenomatous polyposis 1. Last evaluated: 2025-11-17. Review status: criteria provided, single submitter. Criteria: Invitae Variant Classification Sherloc (09022015). Collection method: clinical testing. Allele origin: germline.

Blueprint Genetics
Classification: Likely benign. Last evaluated: 2024-11-21. Review status: criteria provided, single submitter. Criteria: ACMG Guidelines, 2015. Collection method: clinical testing. Allele origin: germline.

GeneDx
Classification: Likely benign. Last evaluated: 2017-10-09. Review status: criteria provided, single submitter. Criteria: GeneDx Variant Classification (06012015). Collection method: clinical testing. Allele origin: germline. Affected: yes.
Comment: This variant is considered likely benign or benign based on one or more of the following criteria: it is a conservative change, it occurs at a poorly conserved position in the protein, it is predicted to be benign by multiple in silico algorithms, and/or has population frequency not consistent with disease.

University of Washington Department of Laboratory Medicine, University of Washington
Classification: Likely benign for Hereditary cancer-predisposing syndrome. Last evaluated: 2015-12-01. Review status: no assertion criteria provided. Collection method: clinical testing. Allele origin: germline. Affected: yes. Not counted in ClinVar's aggregate classification.

NM_001127511.3(APC):c.166-28546T>C

Gene: APC (APC regulator of Wnt signaling pathway; plus strand). Cytogenetic location: 5q22.2.
Variant type: single nucleotide variant.
Coding change: c.166-28546T>C on transcript NM_001127511.3; 28546 bases into the intron before coding-DNA position 166, T replaced by C.
Molecular consequence: intron variant.
Genome position (GRCh38, 1-based): chr5:112,737,780, T>C. VCF-style: chr5-112737780-T-C. GRCh37 (hg19) VCF-style: chr5-112073477-T-C.
Other names: c.-1053-17093T>C (NM_001407470.1, NM_001407472.1); c.-18-17093T>C (NM_001407447.1, NM_001354895.2, NM_001407456.1 and 7 more transcripts); c.166-28546T>C (NM_001407446.1, NM_001354897.2, NM_001354902.2); c.-42-28546T>C (NM_001407453.1).
Identifiers: ClinVar variation 223431 (VCV000223431.13), dbSNP rs113017087, ClinGen allele CA351238.
Genomic context (GRCh38, chr5:112,737,780, plus strand): 5'-GCCCCACTGCGGAGTGCGGGTCGGGAAGCGGAGAGAGAAGCAGCTGTGTAATCCGCTGGA[T>C]GCGGACCAGGGCGCTCCCCATTCCCGTCGGGAGCCCGCCGATTGGCTGGGTGTGGGCGCA-3'